The following is an entry in ClinVar:

ClinVar aggregate classification (germline): Uncertain significance (1 of 4 stars; one submission).

Submission:

Ambry Genetics
Classification: Uncertain significance. Last evaluated: 2024-02-27. Review status: criteria provided, single submitter. Criteria: Ambry Variant Classification Scheme 2023. Collection method: clinical testing. Allele origin: germline.
Comment: The p.Q1448P variant (also known as c.4343A>C), located in coding exon 4 of the ALPK2 gene, results from an A to C substitution at nucleotide position 4343. The glutamine at codon 1448 is replaced by proline, an amino acid with similar properties. This amino acid position is conserved. In addition, this alteration is predicted to be tolerated by in silico analysis. Based on the available evidence, the clinical significance of this alteration remains unclear.

NM_052947.4(ALPK2):c.4343A>C (p.Gln1448Pro)

Genes: ALPK2 (alpha kinase 2; minus strand), LOC126862764 (BRD4-independent group 4 enhancer GRCh37_chr18:56202574-56203773; plus strand). Cytogenetic location: 18q21.31.
Variant type: single nucleotide variant.
Coding change: c.4343A>C on transcript NM_052947.4 (MANE Select); coding-DNA position 4343, A replaced by C.
Protein change: p.Gln1448Pro; replaces glutamine 1448 with proline.
Molecular consequence: missense variant.
Genome position (GRCh38, 1-based): chr18:58,535,844, T>G on the plus strand (A>C on the coding strand, the complement: ALPK2 is on the minus strand). VCF-style: chr18-58535844-T-G. GRCh37 (hg19) VCF-style: chr18-56203076-T-G.
Other names: short protein forms Q1448P.
Identifiers: ClinVar variation 3228736 (VCV003228736.1), dbSNP rs2518874937, ClinGen allele CA402563085.